The following is an entry in ClinVar:

NM_004821.3(HAND1):c.364C>T (p.Pro122Ser)

Gene: HAND1 (heart and neural crest derivatives expressed 1; minus strand). Cytogenetic location: 5q33.2.
Variant type: single nucleotide variant.
Coding change: c.364C>T on transcript NM_004821.3 (MANE Select); coding-DNA position 364, C replaced by T.
Protein change: p.Pro122Ser; replaces proline 122 with serine.
Molecular consequence: missense variant.
Genome position (GRCh38, 1-based): chr5:154,477,645, G>A on the plus strand (C>T on the coding strand, the complement: HAND1 is on the minus strand). VCF-style: chr5-154477645-G-A. GRCh37 (hg19) VCF-style: chr5-153857205-G-A.
Other names: short protein forms P122S.
Identifiers: ClinVar variation 2180435 (VCV002180435.4), dbSNP rs1481488405, ClinGen allele CA361922442.

ClinVar aggregate classification (germline): Uncertain significance (1 of 4 stars; one submission).

Conditions:
Hypoplastic left heart syndrome. Also called: Hypoplastic left ventricle; Hypoplastic left heart. Identifiers: Orphanet 2248, MedGen C0152101, MONDO:0004933, HP:0004383.

Allele frequency attached by ClinVar (database versions not stated): gnomAD exomes below 0.00001; TOPMed 0.00001.
gnomAD v4.1: 5 of 1,614,258 alleles (0.00031%); highest among the groups gnomAD compares: Non-Finnish European, 0.00042%; no homozygotes.

Submission:

Labcorp Genetics (formerly Invitae), Labcorp
Classification: Uncertain significance for Hypoplastic left heart syndrome. Last evaluated: 2021-12-30. Review status: criteria provided, single submitter. Criteria: Invitae Variant Classification Sherloc (09022015). Collection method: clinical testing. Allele origin: germline.
Comment: In summary, the available evidence is currently insufficient to determine the role of this variant in disease. Therefore, it has been classified as a Variant of Uncertain Significance. Algorithms developed to predict the effect of missense changes on protein structure and function (SIFT, PolyPhen-2, Align-GVGD) all suggest that this variant is likely to be disruptive. This variant has not been reported in the literature in individuals affected with HAND1-related conditions. This variant is not present in population databases (gnomAD no frequency). This sequence change replaces proline, which is neutral and non-polar, with serine, which is neutral and polar, at codon 122 of the HAND1 protein (p.Pro122Ser).